The following is an entry in ClinVar:

NM_000090.4(COL3A1):c.3818A>T (p.Lys1273Met)

Gene: COL3A1 (collagen type III alpha 1 chain; plus strand). Cytogenetic location: 2q32.2.
Variant type: single nucleotide variant.
Coding change: c.3818A>T on transcript NM_000090.4 (MANE Select); coding-DNA position 3818, A replaced by T.
Protein change: p.Lys1273Met; replaces lysine 1273 with methionine.
Molecular consequence: missense variant.
Genome position (GRCh38, 1-based): chr2:189,009,216, A>T. VCF-style: chr2-189009216-A-T. GRCh37 (hg19) VCF-style: chr2-189873942-A-T.
Other names: short protein forms K1273M.
Identifiers: ClinVar variation 3075383 (VCV003075383.1), dbSNP rs144614075, ClinGen allele CA349847894.

ClinVar aggregate classification (germline): Uncertain significance (1 of 4 stars; one submission).

Conditions:
Ehlers-Danlos syndrome, type 4 (EDSVASC). Also called: Ehlers-Danlos Syndrome Type IV; Ehlers-Danlos syndrome vascular type; Ehlers Danlos syndrome, ecchymotic type; Ehlers Danlos syndrome, arterial type; Ehlers Danlos syndrome, Sack-Barabas type. Identifiers: Orphanet 286, MedGen C0268338, MONDO:0017314, OMIM 130050.

Submission:

All of Us Research Program, National Institutes of Health
Classification: Uncertain significance for Ehlers-Danlos syndrome, type 4. Last evaluated: 2024-01-11. Review status: criteria provided, single submitter. Criteria: ACMG Guidelines, 2015. Collection method: clinical testing. Allele origin: germline. Inheritance: Autosomal dominant inheritance. Observed: 1 variant allele, 1 heterozygote.
Comment: This study involves interpretation of variants in research participants for the purpose of population health screening. Participant phenotype was not available at the time of variant classification. Additional details can be found in publication PMID: 35346344, PMCID: PMC8962531